The following is an entry in ClinVar:

ClinVar aggregate classification (germline): Conflicting classifications of pathogenicity. Review status: criteria provided, conflicting classifications (1 of 4 stars). 4 submissions from 4 submitters: Uncertain significance (1); Likely benign (2). 1 of the submissions does not count toward it. Last evaluated 2025-09-09.

Conditions:
ZNF804A-related disorder. Also called: ZNF804A-related condition.

Allele frequency attached by ClinVar (database versions not stated): gnomAD exomes 0.00070 and 0.00024; ExAC 0.00081; gnomAD 0.00268 and 0.00283; ESP Exome Variant Server 0.00269; TOPMed 0.00294; 1000 Genomes Project 30x 0.00297; 1000 Genomes Project 0.00300.
gnomAD v4.1: 764 of 1,612,906 alleles (0.047%); highest among the groups gnomAD compares: African/African-American, 0.85%; 2 homozygotes.

Submissions (4):

Ambry Genetics
Classification: Uncertain significance. Last evaluated: 2025-09-09. Review status: criteria provided, single submitter. Criteria: Ambry Variant Classification Scheme 2023. Collection method: clinical testing. Allele origin: germline.

Labcorp Genetics (formerly Invitae), Labcorp
Classification: Likely benign. Last evaluated: 2019-12-31. Review status: criteria provided, single submitter. Criteria: Invitae Variant Classification Sherloc (09022015). Collection method: clinical testing. Allele origin: germline.

Breakthrough Genomics
Classification: Likely benign. Review status: criteria provided, single submitter. Criteria: ACMG Guidelines, 2015. Collection method: not provided. Allele origin: germline. Inheritance: Unknown mechanism. Affected: yes.

PreventionGenetics, part of Exact Sciences
Classification: Benign for ZNF804A-related condition. Last evaluated: 2019-07-25. Review status: no assertion criteria provided. Collection method: clinical testing. Allele origin: germline. Not counted in ClinVar's aggregate classification.
Comment: This variant is classified as benign based on ACMG/AMP sequence variant interpretation guidelines (Richards et al. 2015 PMID: 25741868, with internal and published modifications).

NM_194250.2(ZNF804A):c.1865C>G (p.Ala622Gly)

Gene: ZNF804A (zinc finger protein 804A; plus strand). Cytogenetic location: 2q32.1.
Variant type: single nucleotide variant.
Coding change: c.1865C>G on transcript NM_194250.2 (MANE Select); coding-DNA position 1865, C replaced by G.
Protein change: p.Ala622Gly; replaces alanine 622 with glycine.
Molecular consequence: missense variant.
Genome position (GRCh38, 1-based): chr2:184,937,261, C>G. VCF-style: chr2-184937261-C-G. GRCh37 (hg19) VCF-style: chr2-185801988-C-G.
Other names: short protein forms A622G.
Identifiers: ClinVar variation 713053 (VCV000713053.8), dbSNP rs146611494, ClinGen allele CA2016038.